The following is an entry in ClinVar:

NM_001035.3(RYR2):c.463+9C>T

Gene: RYR2 (ryanodine receptor 2; plus strand). Cytogenetic location: 1q43.
Variant type: single nucleotide variant.
Coding change: c.463+9C>T on transcript NM_001035.3 (MANE Select); 9 bases into the intron after coding-DNA position 463, C replaced by T.
Molecular consequence: intron variant.
Genome position (GRCh38, 1-based): chr1:237,374,804, C>T. VCF-style: chr1-237374804-C-T. GRCh37 (hg19) VCF-style: chr1-237538104-C-T.
Other names: c.463+9C>T (LRG_402t1).
Identifiers: ClinVar variation 384282 (VCV000384282.21), dbSNP rs559545973, ClinGen allele CA086671.

ClinVar aggregate classification (germline): Conflicting classifications of pathogenicity. Review status: criteria provided, conflicting classifications (1 of 4 stars). 6 submissions from 6 submitters: Uncertain significance (1); Likely benign (5). Last evaluated 2026-01-25.

Conditions:
Cardiomyopathy (CMYO). Also called: Cardiomyopathies. Identifiers: Orphanet 167848, MedGen C0878544, MONDO:0004994, HP:0001638. Inheritance: Various modes of inheritance.
Catecholaminergic polymorphic ventricular tachycardia 1. Also called: VENTRICULAR TACHYCARDIA, CATECHOLAMINERGIC POLYMORPHIC, 1, WITH OR WITHOUT ATRIAL DYSFUNCTION AND/OR DILATED CARDIOMYOPATHY; RYR2-Related Catecholaminergic Polymorphic Ventricular Tachycardia; VENTRICULAR TACHYCARDIA, STRESS-INDUCED POLYMORPHIC 1. Identifiers: Orphanet 3286, MedGen C1631597, MONDO:0011484, OMIM 604772.

Allele frequency attached by ClinVar (database versions not stated): ExAC 0.00003; gnomAD exomes 0.00004 and 0.00002; gnomAD 0.00009; TOPMed 0.00010; 1000 Genomes Project 0.00040; 1000 Genomes Project 30x 0.00047.
gnomAD v4.1: 49 of 1,608,702 alleles (0.003%); highest among the groups gnomAD compares: Admixed American, 0.02%; no homozygotes.

Submissions (6):

Labcorp Genetics (formerly Invitae), Labcorp
Classification: Likely benign for Catecholaminergic polymorphic ventricular tachycardia 1. Last evaluated: 2026-01-25. Review status: criteria provided, single submitter. Criteria: Invitae Variant Classification Sherloc (09022015). Collection method: clinical testing. Allele origin: germline.

Molecular Diagnostic Laboratory for Inherited Cardiovascular Disease, Montreal Heart Institute
Classification: Likely benign. Last evaluated: 2025-04-09. Review status: criteria provided, single submitter. Criteria: ACMG Guidelines, 2015. Collection method: clinical testing. Allele origin: germline. Affected: no.

Women's Health and Genetics/Laboratory Corporation of America, LabCorp
Classification: Likely benign. Last evaluated: 2024-03-11. Review status: criteria provided, single submitter. Criteria: LabCorp Variant Classification Summary - May 2015. Collection method: clinical testing. Allele origin: germline.

Blueprint Genetics
Classification: Likely benign. Last evaluated: 2021-09-23. Review status: criteria provided, single submitter. Criteria: ACMG Guidelines, 2015. Collection method: clinical testing. Allele origin: germline.

CHEO Genetics Diagnostic Laboratory, Children's Hospital of Eastern Ontario
Classification: Uncertain significance for Cardiomyopathy. Last evaluated: 2019-09-10. Review status: criteria provided, single submitter. Criteria: ACMG Guidelines, 2015. Collection method: clinical testing. Allele origin: germline.

GeneDx
Classification: Likely benign. Last evaluated: 2016-02-26. Review status: criteria provided, single submitter. Criteria: GeneDx Variant Classification (06012015). Collection method: clinical testing. Allele origin: germline. Affected: yes.
Comment: This variant is considered likely benign or benign based on one or more of the following criteria: it is a conservative change, it occurs at a poorly conserved position in the protein, it is predicted to be benign by multiple in silico algorithms, and/or has population frequency not consistent with disease.